The following is an entry in ClinVar:

ClinVar aggregate classification (germline): Uncertain significance (1 of 4 stars; one submission).

Conditions:
Dilated cardiomyopathy 1G (CMD1G). Identifiers: Orphanet 154, MedGen C1858763, MONDO:0011400, OMIM 604145.
Autosomal recessive limb-girdle muscular dystrophy type 2J (LGMDR10). Also called: Limb-girdle muscular dystrophy, type 2J; MUSCULAR DYSTROPHY, LIMB-GIRDLE, AUTOSOMAL RECESSIVE 10. Identifiers: Orphanet 140922, MedGen C1837342, MONDO:0012127, OMIM 608807.

Submission:

Labcorp Genetics (formerly Invitae), Labcorp
Classification: Uncertain significance for Dilated cardiomyopathy 1G; Autosomal recessive limb-girdle muscular dystrophy type 2J. Last evaluated: 2023-09-15. Review status: criteria provided, single submitter. Criteria: Invitae Variant Classification Sherloc (09022015). Collection method: clinical testing. Allele origin: germline.
Comment: This sequence change replaces leucine, which is neutral and non-polar, with isoleucine, which is neutral and non-polar, at codon 25754 of the TTN protein (p.Leu25754Ile). This variant is not present in population databases (gnomAD no frequency). This variant has not been reported in the literature in individuals affected with TTN-related conditions. Experimental studies and prediction algorithms are not available or were not evaluated, and the functional significance of this variant is currently unknown. In summary, the available evidence is currently insufficient to determine the role of this variant in disease. Therefore, it has been classified as a Variant of Uncertain Significance.

NM_001267550.2(TTN):c.77260C>A (p.Leu25754Ile)

Genes: TTN (titin; minus strand), TTN-AS1 (TTN antisense RNA 1; plus strand). Cytogenetic location: 2q31.2.
Variant type: single nucleotide variant.
Coding change: c.77260C>A on transcript NM_001267550.2 (MANE Select); coding-DNA position 77260, C replaced by A.
Protein change: p.Leu25754Ile; replaces leucine 25754 with isoleucine.
Molecular consequence: missense variant.
Genome position (GRCh38, 1-based): chr2:178,568,872, G>T on the plus strand (C>A on the coding strand, the complement: TTN is on the minus strand). VCF-style: chr2-178568872-G-T. GRCh37 (hg19) VCF-style: chr2-179433599-G-T.
Other names: c.72337C>A, p.Leu24113Ile (NM_001256850.1); c.50065C>A, p.Leu16689Ile (NM_003319.4); c.69556C>A, p.Leu23186Ile (NM_133378.4); c.50440C>A, p.Leu16814Ile (NM_133432.3); c.50641C>A, p.Leu16881Ile (NM_133437.4); short protein forms L16689I, L16881I, L23186I, L25754I, L16814I, L24113I.
Identifiers: ClinVar variation 2951973 (VCV002951973.3), dbSNP rs1707028180, ClinGen allele CA349611591.